The following is an entry in ClinVar:

NM_001100.4(ACTA1):c.436del (p.Ala146fs)

Gene: ACTA1 (actin alpha 1, skeletal muscle; minus strand). Cytogenetic location: 1q42.13.
Variant type: Deletion.
Coding change: c.436del on transcript NM_001100.4 (MANE Select); coding-DNA position 436, one base deleted (G; older notation c.436delG).
Protein change: p.Ala146fs; shifts the reading frame from alanine 146.
Molecular consequence: frameshift variant.
Genome position (GRCh38, 1-based): chr1:229,432,574, C deleted on the plus strand (G on the coding strand, the reverse complement: ACTA1 is on the minus strand). VCF-style (leftmost placement, unchanged base first): chr1-229432573-GC-G. GRCh37 (hg19) VCF-style: chr1-229568320-GC-G.
Other names: c.436delG, p.Ala146Profs (NM_001100.3); short protein forms A146fs.
Identifiers: ClinVar variation 1459640 (VCV001459640.10), dbSNP rs1395648272, ClinGen allele CA529915333.
Genomic context (GRCh38, chr1:229,432,573, plus strand): 5'-GGGGCGGGGGCGGGAGAGGGGACTGGGGGCAGCGGGCACTCACCGGTGGTCCTGCCGGAG[GC>G]GTAGAGGGACAGCACGGCCTGGATGGCCACGTACATGGCGGGCACGTTGAAGGTCTCAAA-3'

ClinVar aggregate classification (germline): Pathogenic/Likely pathogenic. Review status: criteria provided, multiple submitters, no conflicts (2 of 4 stars). 3 submissions from 3 submitters: Pathogenic (1); Likely pathogenic (1). 1 of the submissions does not count toward it. Last evaluated 2023-01-09.

Conditions:
Actin accumulation myopathy (CMYO2A). Also called: CONGENITAL MYOPATHY 2A, TYPICAL, AUTOSOMAL DOMINANT; Myopathy, actin, congenital, with excess of thin myofilaments; Myopathy, actin, congenital, with cores; Nemaline myopathy 3, with intranuclear rods; Nemaline myopathy type 3. Identifiers: Orphanet 98904, MedGen C3711389, MONDO:0008070, OMIM 161800.
Congenital myopathy 2b, severe infantile, autosomal recessive (CMYO2B). Identifiers: MedGen C5830300, MONDO:0859517, OMIM 620265.

Allele frequency attached by ClinVar (database versions not stated): gnomAD exomes below 0.00001 and 0.00002; TOPMed 0.00004; gnomAD 0.00005.

Submissions (3):

GeneDx
Classification: Likely pathogenic. Last evaluated: 2023-01-09. Review status: criteria provided, single submitter. Criteria: GeneDx Variant Classification Process June 2021. Collection method: clinical testing. Allele origin: germline.
Comment: Identified with a pathogenic variant in a patient in published literature, but it is not known whether the variants occurred on the same (in cis) or on different (in trans) chromosomes (Sparrow et al., 2003); Frameshift variant predicted to result in protein truncation or nonsense mediated decay in a gene for which loss of function is a known mechanism of disease; Not observed at significant frequency in large population cohorts (gnomAD); This variant is associated with the following publications: (PMID: 19562689, 12921789)

Labcorp Genetics (formerly Invitae), Labcorp
Classification: Pathogenic for Actin accumulation myopathy. Last evaluated: 2021-10-14. Review status: criteria provided, single submitter. Criteria: Invitae Variant Classification Sherloc (09022015). Collection method: clinical testing. Allele origin: germline.
Comment: For these reasons, this variant has been classified as Pathogenic. This variant is also known as A144 frameshift. This premature translational stop signal has been observed in individual(s) with autosomal recessive nemaline myopathy (PMID: 12921789). This variant is not present in population databases (ExAC no frequency). This sequence change creates a premature translational stop signal (p.Ala146Profs*46) in the ACTA1 gene. It is expected to result in an absent or disrupted protein product. Loss-of-function variants in ACTA1 are known to be pathogenic (PMID: 19562689).

OMIM
Classification: Pathogenic for CONGENITAL MYOPATHY 2B, SEVERE INFANTILE, AUTOSOMAL RECESSIVE. Last evaluated: 2024-07-16. Review status: no assertion criteria provided. Collection method: literature only. Allele origin: germline. Not counted in ClinVar's aggregate classification.

Literature cited by the submitters: PubMed 12921789 (cited by Labcorp Genetics (formerly Invitae), Labcorp and OMIM); PubMed 19562689 (cited by Labcorp Genetics (formerly Invitae), Labcorp).